The following is an entry in ClinVar:

NM_000135.4(FANCA):c.3091del (p.Gln1031fs)

Gene: FANCA (FA complementation group A; minus strand). Cytogenetic location: 16q24.3.
Variant type: Deletion.
Coding change: c.3091del on transcript NM_000135.4 (MANE Select); coding-DNA position 3091, one base deleted (C; older notation c.3091delC).
Protein change: p.Gln1031fs; shifts the reading frame from glutamine 1031.
Molecular consequence: frameshift variant.
Genome position (GRCh38, 1-based): chr16:89,749,878, G deleted on the plus strand (C on the coding strand, the reverse complement: FANCA is on the minus strand). VCF-style (leftmost placement, unchanged base first): chr16-89749877-TG-T. GRCh37 (hg19) VCF-style: chr16-89816285-TG-T.
Other names: c.3091del, p.Gln1031fs (NM_001286167.3); short protein forms Q1031fs.
Identifiers: ClinVar variation 1692214 (VCV001692214.1), dbSNP rs2143139861, ClinGen allele CA2573152926.
Genomic context (GRCh38, chr16:89,749,877, plus strand): 5'-ATCTCAAAGAGGAAGTGCTCCTGGGAAGGGGTGTGGCCGAGAGGCACTATGAGGTCTTGC[TG>T]CAGCTCCAGGTCAGCTACCATCTCCTGAAAAAGAGCAGTATGCTGGCACAGGAAGGCCTC-3'

ClinVar aggregate classification (germline): Likely pathogenic (1 of 4 stars; one submission).

Conditions:
Fanconi anemia (FA). Also called: Fanconi's anemia. Identifiers: Orphanet 84, MedGen C0015625, MeSH D005199, MONDO:0019391.

Submission:

Sema4
Classification: Likely pathogenic for Fanconi anemia. Last evaluated: 2022-02-25. Review status: criteria provided, single submitter. Criteria: Sema4 Curation Guidelines. Collection method: curation. Allele origin: germline.
Comment: To the best of our knowledge, the FANCA c.3091delC (p.Q1031SfsX5) variant has not been reported in individuals with FANCA-related disease. This variant causes a frameshift at amino acid 1031 that results in premature termination 5 amino acids downstream. At this location, nonsense-mediated decay is predicted to occur, resulting in a loss of protein function. Loss-of-function variants in FANCA are known to be pathogenic (PMID: 19367192). This variant is not reported in the population database Genome Aggregation Database (PMID: 32461654). The variant has not been reported in ClinVar. Based on the current evidence available, this variant is interpreted as likely pathogenic.

Literature cited by the submitters: PubMed 19367192.